The following is an entry in ClinVar:

ClinVar aggregate classification (germline): Uncertain significance (1 of 4 stars; one submission).

Conditions:
Loeys-Dietz syndrome (LDS). Identifiers: Orphanet 60030, MedGen C2697932, MONDO:0018954.

Submission:

All of Us Research Program, National Institutes of Health
Classification: Uncertain significance for Loeys-Dietz syndrome. Last evaluated: 2024-04-10. Review status: criteria provided, single submitter. Criteria: ACMG Guidelines, 2015. Collection method: clinical testing. Allele origin: germline. Inheritance: Autosomal dominant inheritance. Observed: 1 variant allele, 1 heterozygote.
Comment: This study involves interpretation of variants in research participants for the purpose of population health screening. Participant phenotype was not available at the time of variant classification. Additional details can be found in publication PMID: 35346344, PMCID: PMC8962531

NM_004612.4(TGFBR1):c.342T>G (p.Thr114=)

Gene: TGFBR1 (transforming growth factor beta receptor 1; plus strand). Cytogenetic location: 9q22.33.
Variant type: single nucleotide variant.
Coding change: c.342T>G on transcript NM_004612.4 (MANE Select); coding-DNA position 342, T replaced by G.
Protein change: p.Thr114=; no amino-acid change (threonine 114 retained).
Molecular consequence: synonymous variant. On other transcripts: non-coding transcript variant (4), intron variant (3).
Genome position (GRCh38, 1-based): chr9:99,129,099, T>G. VCF-style: chr9-99129099-T-G. GRCh37 (hg19) VCF-style: chr9-101891381-T-G.
Other names: c.342T>G, p.Thr114= (NM_001130916.3, NM_001306210.2, NM_001407416.1 and 2 more transcripts); c.135T>G, p.Thr45= (NM_001407418.1, NM_001407419.1, NM_001407420.1 and 12 more transcripts); c.98-3410T>G (NM_001407436.1); c.98-8760T>G (NM_001407438.1); c.98-13437T>G (NM_001407437.1).
Identifiers: ClinVar variation 3386038 (VCV003386038.1).